The following is an entry in ClinVar:

NM_004612.4(TGFBR1):c.-91C>T

Genes: TGFBR1 (transforming growth factor beta receptor 1; plus strand), LOC130002223 (ATAC-STARR-seq lymphoblastoid silent region 20124; plus strand). Cytogenetic location: 9q22.33.
Variant type: single nucleotide variant.
Coding change: c.-91C>T on transcript NM_004612.4 (MANE Select); 91 bases upstream of the start codon, C replaced by T.
Molecular consequence: 5 prime UTR variant. On other transcripts: non-coding transcript variant (4), intron variant (5).
Genome position (GRCh38, 1-based): chr9:99,105,115, C>T. VCF-style: chr9-99105115-C-T. GRCh37 (hg19) VCF-style: chr9-101867397-C-T.
Other names: c.-91C>T (NM_001130916.3, NM_001306210.2, NM_001407416.1 and 6 more transcripts); c.-121C>T (NM_001407419.1, NM_001407433.1); c.-434C>T (NM_001407420.1, NM_001407429.1); c.-403C>T (NM_001407422.1, NM_001407426.1); c.-358C>T (NM_001407428.1); c.-257C>T (NM_001407432.1); c.-111+1374C>T (NM_001407418.1, NM_001407423.1); c.-111+1009C>T (NM_001407424.1); and 2 more.
Identifiers: ClinVar variation 2504011 (VCV002504011.1), dbSNP rs11568745, ClinGen allele CA196864564.

ClinVar aggregate classification (germline): Benign (1 of 4 stars; one submission).

Allele frequency attached by ClinVar (database versions not stated): gnomAD exomes 0.00016; 1000 Genomes Project 0.00040; 1000 Genomes Project 30x 0.00172; gnomAD 0.00182.
gnomAD v4.1: 411 of 986,194 alleles (0.042%); highest among the groups gnomAD compares: African/African-American, 0.65%; 3 homozygotes.

Submission:

Women's Health and Genetics/Laboratory Corporation of America, LabCorp
Classification: Benign. Last evaluated: 2023-04-03. Review status: criteria provided, single submitter. Criteria: LabCorp Variant Classification Summary - May 2015. Collection method: clinical testing. Allele origin: germline.
Comment: Variant summary: TGFBR1 c.-91C>T is located in the untranslated mRNA region upstream of the initiation codon. The variant allele was found at a frequency of 0.0019 in 28470 control chromosomes, predominantly at a frequency of 0.0063 within the African or African-American subpopulation in the gnomAD database. The observed variant frequency within African or African-American control individuals in the gnomAD database is approximately 3360-fold of the estimated maximal expected allele frequency for a pathogenic variant in TGFBR1 causing Loeys-Dietz Syndrome phenotype (1.9e-06), strongly suggesting that the variant is a benign polymorphism found primarily in populations of African or African-American origin. To our knowledge, no occurrence of c.-91C>T in individuals affected with Loeys-Dietz Syndrome or other TGFBR1-related conditions and no experimental evidence demonstrating its impact on protein function have been reported. No clinical diagnostic laboratories have submitted clinical-significance assessments for this variant to ClinVar after 2014. Based on the evidence outlined above, the variant was classified as benign.